The following is an entry in ClinVar:

NM_004104.5(FASN):c.1550G>A (p.Arg517Gln)

Gene: FASN (fatty acid synthase; minus strand). Cytogenetic location: 17q25.3.
Variant type: single nucleotide variant.
Coding change: c.1550G>A on transcript NM_004104.5 (MANE Select); coding-DNA position 1550, G replaced by A.
Protein change: p.Arg517Gln; replaces arginine 517 with glutamine.
Molecular consequence: missense variant.
Genome position (GRCh38, 1-based): chr17:82,091,012, C>T on the plus strand (G>A on the coding strand, the complement: FASN is on the minus strand). VCF-style: chr17-82091012-C-T. GRCh37 (hg19) VCF-style: chr17-80048888-C-T.
Other names: short protein forms R517Q.
Identifiers: ClinVar variation 2849483 (VCV002849483.1), dbSNP rs200374835, ClinGen allele CA8853112.
Genomic context (GRCh38, chr17:82,091,012, plus strand): 5'-AGCTGTGACACCTTCAGGCCGAATGGCTTCACAGCCTCATCGGAGCGTAGGATGGAATCT[C>T]GGAAGCGGTCCAGGCGCATGAGGCTCAGCCCCATCCCGCGCCACTGTGTGCCCATCCCTG-3'
Protein context (NP_004095.4, residues 507-527): GLSLMRLDRF[Arg517Gln]DSILRSDEAV

ClinVar aggregate classification (germline): Uncertain significance (1 of 4 stars; one submission).

Conditions:
Epileptic encephalopathy. Identifiers: MedGen C0543888, HP:0200134.

Allele frequency attached by ClinVar (database versions not stated): gnomAD exomes 0.00001; ExAC 0.00003; TOPMed 0.00005; gnomAD 0.00006; 1000 Genomes Project 0.00020; 1000 Genomes Project 30x 0.00031.

Submission:

Labcorp Genetics (formerly Invitae), Labcorp
Classification: Uncertain significance for Epileptic encephalopathy. Last evaluated: 2023-11-15. Review status: criteria provided, single submitter. Criteria: Invitae Variant Classification Sherloc (09022015). Collection method: clinical testing. Allele origin: germline.
Comment: This sequence change replaces arginine, which is basic and polar, with glutamine, which is neutral and polar, at codon 517 of the FASN protein (p.Arg517Gln). The frequency data for this variant in the population databases is considered unreliable, as metrics indicate poor data quality at this position in the gnomAD database. This variant has not been reported in the literature in individuals affected with FASN-related conditions. An algorithm developed to predict the effect of missense changes on protein structure and function (PolyPhen-2) suggests that this variant¬†is likely to be tolerated. Algorithms developed to predict the effect of sequence changes on RNA splicing suggest that this variant may create or strengthen a splice site. In summary, the available evidence is currently insufficient to determine the role of this variant in disease. Therefore, it has been classified as a Variant of Uncertain Significance.